The following is an entry in ClinVar:

NM_000264.5(PTCH1):c.13G>C (p.Gly5Arg)

Genes: PTCH1 (patched 1; minus strand), LOC130002133 (ATAC-STARR-seq lymphoblastoid silent region 20071; plus strand). Cytogenetic location: 9q22.32.
Variant type: single nucleotide variant.
Coding change: c.13G>C on transcript NM_000264.5 (MANE Select); coding-DNA position 13, G replaced by C.
Protein change: p.Gly5Arg; replaces glycine 5 with arginine.
Molecular consequence: missense variant. On other transcripts: non-coding transcript variant (1), intron variant (3).
Genome position (GRCh38, 1-based): chr9:95,508,349, C>G on the plus strand (G>C on the coding strand, the complement: PTCH1 is on the minus strand). VCF-style: chr9-95508349-C-G. GRCh37 (hg19) VCF-style: chr9-98270631-C-G.
Other names: c.13G>C, p.Gly5Arg (NM_001354918.2); c.199-1750G>C (NM_001083603.3); c.4-1750G>C (NM_001083602.3, NM_001354919.2); short protein forms G5R.
Identifiers: ClinVar variation 5027454 (VCV005027454.1).

ClinVar aggregate classification (germline): Uncertain significance (1 of 4 stars; one submission).

Conditions:
Hereditary cancer-predisposing syndrome. Also called: Neoplastic Syndromes, Hereditary; Tumor predisposition; Hereditary neoplastic syndrome; Hereditary Cancer Syndrome. Identifiers: Orphanet 140162, MedGen C0027672, MeSH D009386, MONDO:0015356.

Submission:

Ambry Genetics
Classification: Uncertain significance for Hereditary cancer-predisposing syndrome. Last evaluated: 2026-07-07. Review status: criteria provided, single submitter. Criteria: Ambry Variant Classification Scheme 2023. Collection method: clinical testing. Allele origin: germline.
Comment: The p.G5R variant (also known as c.13G>C), located in coding exon 1 of the PTCH1 gene, results from a G to C substitution at nucleotide position 13. The glycine at codon 5 is replaced by arginine, an amino acid with dissimilar properties. This amino acid position is conserved. In addition, this alteration is predicted to be tolerated by in silico analysis. Based on the available evidence, the clinical significance of this variant remains unclear.